The following is an entry in ClinVar:

ClinVar aggregate classification (germline): Uncertain significance (1 of 4 stars; one submission).

Allele frequency attached by ClinVar (database versions not stated): gnomAD 0.00001; gnomAD exomes 0.00001; TOPMed 0.00005.
gnomAD v4.1: 23 of 1,614,060 alleles (0.0014%); highest among the groups gnomAD compares: Middle Eastern, 0.049%; no homozygotes.

Submission:

Labcorp Genetics (formerly Invitae), Labcorp
Classification: Uncertain significance. Last evaluated: 2023-07-21. Review status: criteria provided, single submitter. Criteria: Invitae Variant Classification Sherloc (09022015). Collection method: clinical testing. Allele origin: germline.
Comment: In summary, the available evidence is currently insufficient to determine the role of this variant in disease. Therefore, it has been classified as a Variant of Uncertain Significance. Advanced modeling of protein sequence and biophysical properties (such as structural, functional, and spatial information, amino acid conservation, physicochemical variation, residue mobility, and thermodynamic stability) performed at Invitae indicates that this missense variant is not expected to disrupt SERPINH1 protein function. ClinVar contains an entry for this variant (Variation ID: 1908819). This variant has not been reported in the literature in individuals affected with SERPINH1-related conditions. This variant is present in population databases (no rsID available, gnomAD 0.003%). This sequence change replaces glutamic acid, which is acidic and polar, with aspartic acid, which is acidic and polar, at codon 257 of the SERPINH1 protein (p.Glu257Asp).

NM_001235.5(SERPINH1):c.771G>C (p.Glu257Asp)

Gene: SERPINH1 (serpin family H member 1; plus strand). Cytogenetic location: 11q13.5.
Variant type: single nucleotide variant.
Coding change: c.771G>C on transcript NM_001235.5 (MANE Select); coding-DNA position 771, G replaced by C.
Protein change: p.Glu257Asp; replaces glutamic acid 257 with aspartic acid.
Molecular consequence: missense variant.
Genome position (GRCh38, 1-based): chr11:75,568,988, G>C. VCF-style: chr11-75568988-G-C. GRCh37 (hg19) VCF-style: chr11-75280033-G-C.
Other names: c.771G>C, p.Glu257Asp (NM_001207014.3); short protein forms E257D.
Identifiers: ClinVar variation 1908819 (VCV001908819.3), dbSNP rs1015978540, ClinGen allele CA224684041.